The following is an entry in ClinVar:

NM_003737.4(DCHS1):c.4903C>G (p.Leu1635Val)

Gene: DCHS1 (dachsous cadherin-related 1; minus strand). Cytogenetic location: 11p15.4.
Variant type: single nucleotide variant.
Coding change: c.4903C>G on transcript NM_003737.4 (MANE Select); coding-DNA position 4903, C replaced by G.
Protein change: p.Leu1635Val; replaces leucine 1635 with valine.
Molecular consequence: missense variant.
Genome position (GRCh38, 1-based): chr11:6,629,804, G>C on the plus strand (C>G on the coding strand, the complement: DCHS1 is on the minus strand). VCF-style: chr11-6629804-G-C. GRCh37 (hg19) VCF-style: chr11-6651035-G-C.
Other names: short protein forms L1635V.
Identifiers: ClinVar variation 2879404 (VCV002879404.3), dbSNP rs2493822827, ClinGen allele CA379398601.

ClinVar aggregate classification (germline): Uncertain significance (1 of 4 stars; one submission).

Submission:

Labcorp Genetics (formerly Invitae), Labcorp
Classification: Uncertain significance. Last evaluated: 2024-12-19. Review status: criteria provided, single submitter. Criteria: Invitae Variant Classification Sherloc (09022015). Collection method: clinical testing. Allele origin: germline.
Comment: This sequence change replaces leucine, which is neutral and non-polar, with valine, which is neutral and non-polar, at codon 1635 of the DCHS1 protein (p.Leu1635Val). This variant is not present in population databases (gnomAD no frequency). This variant has not been reported in the literature in individuals affected with DCHS1-related conditions. ClinVar contains an entry for this variant (Variation ID: 2879404). Invitae Evidence Modeling of protein sequence and biophysical properties (such as structural, functional, and spatial information, amino acid conservation, physicochemical variation, residue mobility, and thermodynamic stability) has been performed for this missense variant. However, the output from this modeling did not meet the statistical confidence thresholds required to predict the impact of this variant on DCHS1 protein function. In summary, the available evidence is currently insufficient to determine the role of this variant in disease. Therefore, it has been classified as a Variant of Uncertain Significance.